The following is an entry in ClinVar:

NM_014846.4(WASHC5):c.2770+6T>C

Genes: WASHC5 (WASH complex subunit 5; minus strand), WASHC5-AS1 (WASHC5 antisense RNA 1; plus strand). Cytogenetic location: 8q24.13.
Variant type: single nucleotide variant.
Coding change: c.2770+6T>C on transcript NM_014846.4 (MANE Select); 6 bases into the intron after coding-DNA position 2770, T replaced by C.
Molecular consequence: intron variant.
Genome position (GRCh38, 1-based): chr8:125,043,986, A>G on the plus strand (T>C on the coding strand, the complement: WASHC5 is on the minus strand). VCF-style: chr8-125043986-A-G. GRCh37 (hg19) VCF-style: chr8-126056228-A-G.
Other names: c.2326+6T>C (NM_001330609.2).
Identifiers: ClinVar variation 1397295 (VCV001397295.6), dbSNP rs2130019658, ClinGen allele CA2573142856.

ClinVar aggregate classification (germline): Uncertain significance (1 of 4 stars; one submission).

Conditions:
Hereditary spastic paraplegia 8 (SPG8). Also called: SPASTIC PARAPLEGIA 8, AUTOSOMAL DOMINANT. Identifiers: Orphanet 100989, MedGen C1863704, MONDO:0011339, OMIM 603563.
Ritscher-Schinzel syndrome. Also called: CRANIOCEREBELLOCARDIAC DYSPLASIA. Identifiers: Orphanet 7, MedGen C0796137, MONDO:0019078.

Allele frequency attached by ClinVar (database versions not stated): gnomAD exomes 0.00001.
gnomAD v4.1: 8 of 1,607,612 alleles (0.0005%); highest among the groups gnomAD compares: Non-Finnish European, 0.00068%; no homozygotes.

Submission:

Labcorp Genetics (formerly Invitae), Labcorp
Classification: Uncertain significance for Ritscher-Schinzel syndrome; Hereditary spastic paraplegia 8. Last evaluated: 2020-11-15. Review status: criteria provided, single submitter. Criteria: Invitae Variant Classification Sherloc (09022015). Collection method: clinical testing. Allele origin: germline.
Comment: This sequence change falls in intron 22 of the WASHC5 gene. It does not directly change the encoded amino acid sequence of the WASHC5 protein. It affects a nucleotide within the consensus splice site of the intron. This variant is not present in population databases (ExAC no frequency). This variant has not been reported in the literature in individuals with WASHC5-related conditions. Nucleotide substitutions within the consensus splice site are a relatively common cause of aberrant splicing (PMID: 17576681, 9536098). Algorithms developed to predict the effect of sequence changes on RNA splicing suggest that this variant may disrupt the consensus splice site, but this prediction has not been confirmed by published transcriptional studies. In summary, the available evidence is currently insufficient to determine the role of this variant in disease. Therefore, it has been classified as a Variant of Uncertain Significance.

Literature cited by the submitters: PubMed 17576681; PubMed 9536098.